The following is an entry in ClinVar:

ClinVar aggregate classification (germline): Uncertain significance. Review status: criteria provided, multiple submitters, no conflicts (2 of 4 stars). 2 submissions from 2 submitters: Uncertain significance (2). Last evaluated 2024-11-27.

Conditions:
Generalized epilepsy with febrile seizures plus, type 7 (GEFSP7). Also called: GEFS+, TYPE 7. Identifiers: Orphanet 36387, MedGen C2751778, MONDO:0013470, OMIM 613863.
Neuropathy, hereditary sensory and autonomic, type 2A (HSAN2A). Also called: NEUROPATHY, CONGENITAL SENSORY; NEUROPATHY, HEREDITARY SENSORY RADICULAR, AUTOSOMAL RECESSIVE; NEUROPATHY, HEREDITARY SENSORY, TYPE IIA; NEUROPATHY, PROGRESSIVE SENSORY, OF CHILDREN; HSAN IIA; MORVAN DISEASE. Identifiers: Orphanet 970, MedGen C2752089, MONDO:0024309, OMIM 201300.

Submissions (2):

GeneDx
Classification: Uncertain significance. Last evaluated: 2024-11-27. Review status: criteria provided, single submitter. Criteria: GeneDx Variant Classification Process June 2021. Collection method: clinical testing. Allele origin: germline. Affected: yes.
Comment: Not observed at significant frequency in large population cohorts (gnomAD); In silico analysis supports that this missense variant has a deleterious effect on protein structure/function; Has not been previously published as pathogenic or benign to our knowledge

Labcorp Genetics (formerly Invitae), Labcorp
Classification: Uncertain significance for Neuropathy, hereditary sensory and autonomic, type 2A; Generalized epilepsy with febrile seizures plus, type 7. Last evaluated: 2021-06-16. Review status: criteria provided, single submitter. Criteria: Invitae Variant Classification Sherloc (09022015). Collection method: clinical testing. Allele origin: germline.
Comment: This sequence change replaces tyrosine with cysteine at codon 305 of the SCN9A protein (p.Tyr305Cys). The tyrosine residue is moderately conserved and there is a large physicochemical difference between tyrosine and cysteine. This variant is not present in population databases (ExAC no frequency). This variant has not been reported in the literature in individuals with SCN9A-related conditions. Algorithms developed to predict the effect of missense changes on protein structure and function are either unavailable or do not agree on the potential impact of this missense change (SIFT: "Tolerated"; PolyPhen-2: "Possibly Damaging"; Align-GVGD: "Class C0"). In summary, the available evidence is currently insufficient to determine the role of this variant in disease. Therefore, it has been classified as a Variant of Uncertain Significance.

NM_001365536.1(SCN9A):c.914A>G (p.Tyr305Cys)

Genes: SCN9A (sodium voltage-gated channel alpha subunit 9; minus strand), SCN1A-AS1 (SCN1A and SCN9A antisense RNA 1; plus strand). Cytogenetic location: 2q24.3.
Variant type: single nucleotide variant.
Coding change: c.914A>G on transcript NM_001365536.1 (MANE Select); coding-DNA position 914, A replaced by G.
Protein change: p.Tyr305Cys; replaces tyrosine 305 with cysteine.
Molecular consequence: missense variant. On other transcripts: non-coding transcript variant (1).
Genome position (GRCh38, 1-based): chr2:166,294,650, T>C on the plus strand (A>G on the coding strand, the complement: SCN9A is on the minus strand). VCF-style: chr2-166294650-T-C. GRCh37 (hg19) VCF-style: chr2-167151160-T-C.
Other names: c.914A>G, p.Tyr305Cys (NM_002977.4); short protein forms Y305C.
Identifiers: ClinVar variation 1378441 (VCV001378441.9), dbSNP rs1698222427, ClinGen allele CA349089800.
Genomic context (GRCh38, chr2:166,294,650, plus strand): 5'-ATTACATACCCTGAATCTGTGCTGAAACCACAAAGGAGAGCATCTTTGGATCCTTCCAAG[T>C]AATAAAAATATTCTGTTGAAGAAGAATTTGAACAGTTATAACATCACAGACTTTAATCTG-3'
Protein context (NP_001352465.1, residues 295-315): SEEDFRKYFY[Tyr305Cys]LEGSKDALLC